The following is an entry in ClinVar:

ClinVar aggregate classification (germline): Benign/Likely benign. Review status: criteria provided, multiple submitters, no conflicts (2 of 4 stars). 8 submissions from 8 submitters: Benign (4); Likely benign (4). Last evaluated 2026-04-20.

Conditions:
DICER1-related tumor predisposition. Also called: DICER1 syndrome; DICER1-related pleuropulmonary blastoma cancer predisposition syndrome. Identifiers: Orphanet 284343, MedGen C3839822, MONDO:0100216.
Hereditary cancer-predisposing syndrome. Also called: Tumor predisposition; Hereditary Cancer Syndrome; Neoplastic Syndromes, Hereditary; Hereditary neoplastic syndrome. Identifiers: Orphanet 140162, MedGen C0027672, MeSH D009386, MONDO:0015356.

Allele frequency attached by ClinVar (database versions not stated): gnomAD exomes 0.00003 and 0.00009; ExAC 0.00014; ESP Exome Variant Server 0.00015; 1000 Genomes Project 0.00020; 1000 Genomes Project 30x 0.00031; gnomAD 0.00033 and 0.00036; TOPMed 0.00040.
gnomAD v4.1: 88 of 1,614,162 alleles (0.0055%); highest among the groups gnomAD compares: African/African-American, 0.11%; no homozygotes.

Submissions (8):

Myriad Genetics, Inc.
Classification: Benign for DICER1-related tumor predisposition. Last evaluated: 2026-04-20. Review status: criteria provided, single submitter. Criteria: Myriad Autosomal Dominant, Autosomal Recessive and X-Linked Classification Criteria (2023). Collection method: clinical testing. Allele origin: unknown.
Comment: This variant is considered benign. This variant is a silent/synonymous amino acid change and it is not expected to impact splicing.

Labcorp Genetics (formerly Invitae), Labcorp
Classification: Benign for DICER1-related tumor predisposition. Last evaluated: 2026-01-19. Review status: criteria provided, single submitter. Criteria: Invitae Variant Classification Sherloc (09022015). Collection method: clinical testing. Allele origin: germline.

ARUP Laboratories, Molecular Genetics and Genomics, ARUP Laboratories
Classification: Benign. Last evaluated: 2025-05-07. Review status: criteria provided, single submitter. Criteria: ARUP Molecular Germline Variant Investigation Process 2024. Collection method: clinical testing. Allele origin: germline.

Quest Diagnostics Nichols Institute San Juan Capistrano
Classification: Benign. Last evaluated: 2025-02-10. Review status: criteria provided, single submitter. Criteria: Quest Diagnostics criteria. Collection method: clinical testing. Allele origin: unknown.

CeGaT Center for Human Genetics Tuebingen
Classification: Likely benign. Last evaluated: 2024-09-01. Review status: criteria provided, single submitter. Criteria: CeGaT Center For Human Genetics Tuebingen Variant Classification Criteria Version 2. Collection method: clinical testing. Allele origin: germline. Affected: yes. Observed: 1 variant allele.
Comment: DICER1: BP4, BS1

Sema4
Classification: Likely benign for Hereditary cancer-predisposing syndrome. Last evaluated: 2021-01-27. Review status: criteria provided, single submitter. Criteria: Sema4 Curation Guidelines. Collection method: curation. Allele origin: germline.

PreventionGenetics, part of Exact Sciences
Classification: Likely benign. Last evaluated: 2017-10-13. Review status: criteria provided, single submitter. Criteria: ACMG Guidelines, 2015. Collection method: clinical testing. Allele origin: germline.

Ambry Genetics
Classification: Likely benign for Hereditary cancer-predisposing syndrome. Last evaluated: 2017-04-01. Review status: criteria provided, single submitter. Criteria: Ambry Variant Classification Scheme 2023. Collection method: clinical testing. Allele origin: germline.

NM_177438.3(DICER1):c.5337G>A (p.Lys1779=)

Gene: DICER1 (dicer 1, ribonuclease III; minus strand). Cytogenetic location: 14q32.13.
Variant type: single nucleotide variant.
Coding change: c.5337G>A on transcript NM_177438.3 (MANE Select); coding-DNA position 5337, G replaced by A.
Protein change: p.Lys1779=; no amino-acid change (lysine 1779 retained).
Molecular consequence: synonymous variant.
Genome position (GRCh38, 1-based): chr14:95,093,915, C>T on the plus strand (G>A on the coding strand, the complement: DICER1 is on the minus strand). VCF-style: chr14-95093915-C-T. GRCh37 (hg19) VCF-style: chr14-95560252-C-T.
Other names: c.5337G>A, p.Lys1779= (NM_001195573.1, NM_001271282.3, NM_001291628.2 and 1 more transcripts).
Identifiers: ClinVar variation 242137 (VCV000242137.34), dbSNP rs111630745, ClinGen allele CA7330695.